The following is an entry in ClinVar:

NM_000051.4(ATM):c.3886C>G (p.Pro1296Ala)

Gene: ATM (ATM serine/threonine kinase; plus strand). Cytogenetic location: 11q22.3.
Variant type: single nucleotide variant.
Coding change: c.3886C>G on transcript NM_000051.4 (MANE Select); coding-DNA position 3886, C replaced by G.
Protein change: p.Pro1296Ala; replaces proline 1296 with alanine.
Molecular consequence: missense variant.
Genome position (GRCh38, 1-based): chr11:108,284,366, C>G. VCF-style: chr11-108284366-C-G. GRCh37 (hg19) VCF-style: chr11-108155093-C-G.
Other names: c.3886C>G, p.Pro1296Ala (NM_001351834.2); short protein forms P1296A.
Identifiers: ClinVar variation 489542 (VCV000489542.5), dbSNP rs864622654, ClinGen allele CA382525466.
Genomic context (GRCh38, chr11:108,284,366, plus strand): 5'-CAAGAGGACTGGAAAAGTCTTCTAACAGACTGCTTTCCAAAGATTCTTGTAAATATTCTT[C>G]CTTATTTTGCCTATGAGGGTACCAGAGACAGTGGGATGGCACAGCAAAGAGAGACTGCTA-3'
Protein context (NP_000042.3, residues 1286-1306): CFPKILVNIL[Pro1296Ala]YFAYEGTRDS

ClinVar aggregate classification (germline): Uncertain significance (1 of 4 stars; one submission).

Conditions:
Hereditary cancer-predisposing syndrome. Also called: Hereditary Cancer Syndrome; Neoplastic Syndromes, Hereditary; Tumor predisposition; Hereditary neoplastic syndrome. Identifiers: Orphanet 140162, MedGen C0027672, MeSH D009386, MONDO:0015356.

Submission:

Color Diagnostics, LLC DBA Color Health
Classification: Uncertain significance for Hereditary cancer-predisposing syndrome. Last evaluated: 2023-12-05. Review status: criteria provided, single submitter. Criteria: ACMG Guidelines, 2015. Collection method: clinical testing. Allele origin: germline.
Comment: This missense variant replaces proline with alanine at codon 1296 of the ATM protein. Computational prediction is inconclusive regarding the impact of this variant on protein structure and function (internally defined REVEL score threshold 0.5 < inconclusive < 0.7, PMID: 27666373). To our knowledge, functional studies have not been reported for this variant. This variant has not been reported in individuals affected with ATM-related disorders in the literature. This variant has not been identified in the general population by the Genome Aggregation Database (gnomAD). The available evidence is insufficient to determine the role of this variant in disease conclusively. Therefore, this variant is classified as a Variant of Uncertain Significance.